The following is an entry in ClinVar:

NM_003737.4(DCHS1):c.7123G>A (p.Ala2375Thr)

Gene: DCHS1 (dachsous cadherin-related 1; minus strand). Cytogenetic location: 11p15.4.
Variant type: single nucleotide variant.
Coding change: c.7123G>A on transcript NM_003737.4 (MANE Select); coding-DNA position 7123, G replaced by A.
Protein change: p.Ala2375Thr; replaces alanine 2375 with threonine.
Molecular consequence: missense variant.
Genome position (GRCh38, 1-based): chr11:6,625,221, C>T on the plus strand (G>A on the coding strand, the complement: DCHS1 is on the minus strand). VCF-style: chr11-6625221-C-T. GRCh37 (hg19) VCF-style: chr11-6646452-C-T.
Other names: short protein forms A2375T.
Identifiers: ClinVar variation 4742989 (VCV004742989.1).

ClinVar aggregate classification (germline): Uncertain significance (1 of 4 stars; one submission).

Submission:

Labcorp Genetics (formerly Invitae), Labcorp
Classification: Uncertain significance. Last evaluated: 2025-06-19. Review status: criteria provided, single submitter. Criteria: Invitae Variant Classification Sherloc (09022015). Collection method: clinical testing. Allele origin: germline.
Comment: This sequence change replaces alanine, which is neutral and non-polar, with threonine, which is neutral and polar, at codon 2375 of the DCHS1 protein (p.Ala2375Thr). This variant is not present in population databases (gnomAD no frequency). This variant has not been reported in the literature in individuals affected with DCHS1-related conditions. Invitae Evidence Modeling of protein sequence and biophysical properties (such as structural, functional, and spatial information, amino acid conservation, physicochemical variation, residue mobility, and thermodynamic stability) indicates that this missense variant is not expected to disrupt DCHS1 protein function with a negative predictive value of 80%. In summary, the available evidence is currently insufficient to determine the role of this variant in disease. Therefore, it has been classified as a Variant of Uncertain Significance.